The following is an entry in ClinVar:

ClinVar aggregate classification (germline): Conflicting classifications of pathogenicity. Review status: criteria provided, conflicting classifications (1 of 4 stars). 2 submissions from 2 submitters: Uncertain significance (1); Likely benign (1). Last evaluated 2026-03-02.

Conditions:
DNAAF4-related disorder. Also called: DNAAF4-related condition.

Allele frequency attached by ClinVar (database versions not stated): TOPMed 0.00020; ESP Exome Variant Server 0.00031; ExAC 0.00025.
gnomAD v4.1: 225 of 1,580,710 alleles (0.014%); highest among the groups gnomAD compares: Middle Eastern, 0.051%; 2 homozygotes.

Submissions (2):

PreventionGenetics, part of Exact Sciences
Classification: Likely benign for DNAAF4-related condition. Last evaluated: 2026-03-02. Review status: criteria provided, single submitter. Criteria: ACMG Guidelines, 2015. Collection method: clinical testing. Allele origin: germline.
Comment: This variant is classified as likely benign based on ACMG/AMP sequence variant interpretation guidelines (Richards et al. 2015 PMID: 25741868, with internal and published modifications).

CeGaT Center for Human Genetics Tuebingen
Classification: Uncertain significance. Last evaluated: 2023-08-01. Review status: criteria provided, single submitter. Criteria: CeGaT Center For Human Genetics Tuebingen Variant Classification Criteria Version 2. Collection method: clinical testing. Allele origin: germline. Affected: yes. Observed: 1 variant allele.
Comment: DNAAF4: PM2, BP4

NM_001033560.2(DNAAF4):c.1090C>T (p.Pro364Ser)

Genes: DNAAF4 (dynein axonemal assembly factor 4; minus strand), DNAAF4-CCPG1 (DNAAF4-CCPG1 readthrough (NMD candidate); minus strand), PIERCE2 (piercer of microtubule wall 2; plus strand). Cytogenetic location: 15q21.3.
Variant type: single nucleotide variant.
Coding change: c.1090C>T on transcript NM_001033560.2; coding-DNA position 1090, C replaced by T.
Protein change: p.Pro364Ser; replaces proline 364 with serine.
Molecular consequence: missense variant. On other transcripts: intron variant (1).
Genome position (GRCh38, 1-based): chr15:55,418,091, G>A on the plus strand (C>T on the coding strand, the complement: DNAAF4 is on the minus strand). VCF-style: chr15-55418091-G-A. GRCh37 (hg19) VCF-style: chr15-55710289-G-A.
Other names: c.19-132G>A (NM_001198784.2); short protein forms P364S.
Identifiers: ClinVar variation 2645366 (VCV002645366.23), dbSNP rs199564997, ClinGen allele CA7574709.